The following is an entry in ClinVar:

ClinVar aggregate classification (germline): Uncertain significance. Review status: criteria provided, multiple submitters, no conflicts (2 of 4 stars). 2 submissions from 2 submitters: Uncertain significance (2). Last evaluated 2023-11-10.

Conditions:
Inborn genetic diseases. Identifiers: MedGen C0950123, MeSH D030342.
Short-rib thoracic dysplasia 11 with or without polydactyly (SRTD11). Also called: SHORT-RIB THORACIC DYSPLASIA 11 WITHOUT POLYDACTYLY. Identifiers: Orphanet 474, Orphanet 93271, MedGen C3810200, MONDO:0014287, OMIM 615633.

Allele frequency attached by ClinVar (database versions not stated): gnomAD 0.00003 and 0.00004; TOPMed 0.00009; gnomAD exomes 0.00015; ExAC 0.00016.
gnomAD v4.1: 57 of 1,613,028 alleles (0.0035%); highest among the groups gnomAD compares: Admixed American, 0.068%; no homozygotes.

Submissions (2):

Labcorp Genetics (formerly Invitae), Labcorp
Classification: Uncertain significance for Short-rib thoracic dysplasia 11 with or without polydactyly. Last evaluated: 2023-11-10. Review status: criteria provided, single submitter. Criteria: Invitae Variant Classification Sherloc (09022015). Collection method: clinical testing. Allele origin: germline.
Comment: This sequence change replaces arginine, which is basic and polar, with histidine, which is basic and polar, at codon 249 of the WDR34 protein (p.Arg249His). This variant is present in population databases (rs774756722, gnomAD 0.1%). This variant has not been reported in the literature in individuals affected with WDR34-related conditions. ClinVar contains an entry for this variant (Variation ID: 1681228). Algorithms developed to predict the effect of missense changes on protein structure and function output the following: SIFT: "Not Available"; PolyPhen-2: "Benign"; Align-GVGD: "Not Available". The histidine amino acid residue is found in multiple mammalian species, which suggests that this missense change does not adversely affect protein function. In summary, the available evidence is currently insufficient to determine the role of this variant in disease. Therefore, it has been classified as a Variant of Uncertain Significance.

Ambry Genetics
Classification: Uncertain significance for Inborn genetic diseases. Last evaluated: 2023-01-09. Review status: criteria provided, single submitter. Criteria: Ambry Variant Classification Scheme 2023. Collection method: clinical testing. Allele origin: germline.

NM_052844.4(DYNC2I2):c.746G>A (p.Arg249His)

Genes: DYNC2I2 (dynein 2 intermediate chain 2; minus strand), LOC126860772 (CDK7 strongly-dependent group 2 enhancer GRCh37_chr9:131396972-131398171; plus strand). Cytogenetic location: 9q34.11.
Variant type: single nucleotide variant.
Coding change: c.746G>A on transcript NM_052844.4 (MANE Select); coding-DNA position 746, G replaced by A.
Protein change: p.Arg249His; replaces arginine 249 with histidine.
Molecular consequence: missense variant.
Genome position (GRCh38, 1-based): chr9:128,635,725, C>T on the plus strand (G>A on the coding strand, the complement: DYNC2I2 is on the minus strand). VCF-style: chr9-128635725-C-T. GRCh37 (hg19) VCF-style: chr9-131398004-C-T.
Other names: c.746G>A (NM_052844.3); short protein forms R249H.
Identifiers: ClinVar variation 1681228 (VCV001681228.6), dbSNP rs774756722, ClinGen allele CA5266486.